The following is an entry in ClinVar:

ClinVar aggregate classification (germline): Uncertain significance (1 of 4 stars; one submission).

Submission:

Labcorp Genetics (formerly Invitae), Labcorp
Classification: Uncertain significance. Last evaluated: 2023-08-17. Review status: criteria provided, single submitter. Criteria: Invitae Variant Classification Sherloc (09022015). Collection method: clinical testing. Allele origin: germline.
Comment: This sequence change replaces leucine, which is neutral and non-polar, with phenylalanine, which is neutral and non-polar, at codon 192 of the DGUOK protein (p.Leu192Phe). This variant is not present in population databases (gnomAD no frequency). This variant has not been reported in the literature in individuals affected with DGUOK-related conditions. ClinVar contains an entry for this variant (Variation ID: 2095206). Advanced modeling of protein sequence and biophysical properties (such as structural, functional, and spatial information, amino acid conservation, physicochemical variation, residue mobility, and thermodynamic stability) performed at Invitae indicates that this missense variant is expected to disrupt DGUOK protein function. In summary, the available evidence is currently insufficient to determine the role of this variant in disease. Therefore, it has been classified as a Variant of Uncertain Significance.

NM_080916.3(DGUOK):c.574C>T (p.Leu192Phe)

Gene: DGUOK (deoxyguanosine kinase; plus strand). Cytogenetic location: 2p13.1.
Variant type: single nucleotide variant.
Coding change: c.574C>T on transcript NM_080916.3 (MANE Select); coding-DNA position 574, C replaced by T.
Protein change: p.Leu192Phe; replaces leucine 192 with phenylalanine.
Molecular consequence: missense variant. On other transcripts: non-coding transcript variant (2), intron variant (2).
Genome position (GRCh38, 1-based): chr2:73,950,715, C>T. VCF-style: chr2-73950715-C-T. GRCh37 (hg19) VCF-style: chr2-74177842-C-T.
Other names: c.283C>T, p.Leu95Phe (NM_001318860.2, NM_001318861.2); c.265C>T, p.Leu89Phe (NM_001318862.2, NM_001318863.2); c.443+3809C>T (NM_080918.3); c.425+3827C>T (NM_001318859.2); short protein forms L89F, L192F, L95F.
Identifiers: ClinVar variation 2095206 (VCV002095206.4), dbSNP rs2467049989, ClinGen allele CA347300439.
Genomic context (GRCh38, chr2:73,950,715, plus strand): 5'-TGGCATTCTTTTCTCCTGTGGGAGTTTGCCAGCCGGATCACATTACATGGCTTCATCTAC[C>T]TCCAGGCTTCTCCCCAGGTAACACTGAACCTACAACCTTAGACTTTAGGGCCATATGAAA-3'
Protein context (NP_550438.1, residues 182-202): SRITLHGFIY[Leu192Phe]QASPQVCLKR